The following is an entry in ClinVar:

ClinVar aggregate classification (germline): Likely pathogenic. Review status: criteria provided, single submitter (1 of 4 stars). 2 submissions from 2 submitters: Likely pathogenic (1). 1 of the submissions does not count toward it. Last evaluated 2024-01-06.

Conditions:
Autosomal recessive limb-girdle muscular dystrophy type 2B (LGMDR2). Also called: Limb-Girdle Muscular Dystrophy Type 2B (LGMD2B); MUSCULAR DYSTROPHY, LIMB-GIRDLE, TYPE 3; Limb-girdle muscular dystrophy, type 2B; MUSCULAR DYSTROPHY, LIMB-GIRDLE, AUTOSOMAL RECESSIVE 2. Identifiers: Orphanet 268, MedGen C1850889, MONDO:0009676, OMIM 253601.
Miyoshi muscular dystrophy 1 (MMD1). Identifiers: Orphanet 45448, MedGen C4551973, MONDO:0024545, OMIM 254130.

Allele frequency attached by ClinVar (database versions not stated): gnomAD exomes below 0.00001.
gnomAD v4.1: 1 of 1,614,104 alleles (0.000062%); highest among the groups gnomAD compares: Non-Finnish European, 0.000085%; no homozygotes.

Submissions (2):

Kariminejad - Najmabadi Pathology & Genetics Center
Classification: Likely pathogenic for Miyoshi muscular dystrophy 1; Autosomal recessive limb-girdle muscular dystrophy type 2B. Last evaluated: 2024-01-06. Review status: criteria provided, single submitter. Criteria: ACMG Guidelines, 2015. Collection method: clinical testing. Allele origin: germline. Inheritance: Autosomal recessive inheritance. Affected: yes.
Comment: PVS1_strong,PM2,PP5_supporting

Counsyl
Classification: Pathogenic for Autosomal recessive limb-girdle muscular dystrophy type 2B. Last evaluated: 2017-11-10. Review status: no assertion criteria provided. Collection method: clinical testing. Allele origin: unknown. Not counted in ClinVar's aggregate classification.

Literature cited by the submitters: PubMed 25312915 (cited by Counsyl); PubMed 17070050 (cited by Counsyl); PubMed 26088049 (cited by Counsyl).

NM_001130987.2(DYSF):c.1449+1G>A

Gene: DYSF (dysferlin; plus strand). Cytogenetic location: 2p13.2.
Variant type: single nucleotide variant.
Coding change: c.1449+1G>A on transcript NM_001130987.2 (MANE Select); the canonical splice donor site of the intron after coding-DNA position 1449, G replaced by A.
Molecular consequence: splice donor variant.
Genome position (GRCh38, 1-based): chr2:71,535,090, G>A. VCF-style: chr2-71535090-G-A. GRCh37 (hg19) VCF-style: chr2-71762220-G-A.
Other names: c.1446+1G>A (NM_001130979.2, NM_001130981.2, NM_001130980.2); c.1353+1G>A (NM_001130978.2, NM_003494.4, NM_001130977.2 and 1 more transcripts); c.1449+1G>A (NM_001130982.2, NM_001130985.2); c.1356+1G>A (NM_001130983.2, NM_001130455.2, NM_001130984.2 and 1 more transcripts).
Identifiers: ClinVar variation 554978 (VCV000554978.3), dbSNP rs1553535902, ClinGen allele CA347215726.